The following is an entry in ClinVar:

ClinVar aggregate classification (germline): Uncertain significance (1 of 4 stars; one submission).

Conditions:
Chitotriosidase deficiency (CHITD). Identifiers: MedGen C3279902, OMIM 614122, MONDO:0013586.

Allele frequency attached by ClinVar (database versions not stated): ExAC 0.00002; gnomAD exomes 0.00002 and 0.00005; gnomAD 0.00004; TOPMed 0.00005; ESP Exome Variant Server 0.00008.

Submission:

Labcorp Genetics (formerly Invitae), Labcorp
Classification: Uncertain significance for Chitotriosidase deficiency. Last evaluated: 2020-03-17. Review status: criteria provided, single submitter. Criteria: Invitae Variant Classification Sherloc (09022015). Collection method: clinical testing. Allele origin: germline.
Comment: In summary, the available evidence is currently insufficient to determine the role of this variant in disease. Therefore, it has been classified as a Variant of Uncertain Significance. Algorithms developed to predict the effect of missense changes on protein structure and function output the following: SIFT: "Deleterious"; PolyPhen-2: "Benign"; Align-GVGD: "Class C0". The cysteine amino acid residue is found in multiple mammalian species, suggesting that this missense change does not adversely affect protein function. These predictions have not been confirmed by published functional studies and their clinical significance is uncertain. This variant has not been reported in the literature in individuals with CHIT1-related conditions. This variant is present in population databases (rs142999142, ExAC 0.003%). This sequence change replaces arginine with cysteine at codon 154 of the CHIT1 protein (p.Arg154Cys). The arginine residue is moderately conserved and there is a large physicochemical difference between arginine and cysteine.

NM_003465.3(CHIT1):c.460C>T (p.Arg154Cys)

Gene: CHIT1 (chitinase 1; minus strand). Cytogenetic location: 1q32.1.
Variant type: single nucleotide variant.
Coding change: c.460C>T on transcript NM_003465.3 (MANE Select); coding-DNA position 460, C replaced by T.
Protein change: p.Arg154Cys; replaces arginine 154 with cysteine.
Molecular consequence: missense variant. On other transcripts: non-coding transcript variant (2).
Genome position (GRCh38, 1-based): chr1:203,223,515, G>A on the plus strand (C>T on the coding strand, the complement: CHIT1 is on the minus strand). VCF-style: chr1-203223515-G-A. GRCh37 (hg19) VCF-style: chr1-203192643-G-A.
Other names: c.403C>T, p.Arg135Cys (NM_001256125.2); short protein forms R135C, R154C.
Identifiers: ClinVar variation 1010789 (VCV001010789.6), dbSNP rs142999142, ClinGen allele CA1339938.